The following is an entry in ClinVar:

ClinVar aggregate classification (germline): Uncertain significance. Review status: criteria provided, multiple submitters, no conflicts (2 of 4 stars). 8 submissions from 8 submitters: Uncertain significance (7). 1 of the submissions does not count toward it. Last evaluated 2026-01-31.

Conditions:
Rectum adenocarcinoma. Also called: Rectal Adenocarcinoma. Identifiers: MedGen C0149978, MONDO:0002169.
Classic or attenuated familial adenomatous polyposis. Identifiers: MedGen CN372698, MONDO:0021057.
APC-related disorder. Also called: APC-related condition.
Hereditary cancer-predisposing syndrome. Also called: Tumor predisposition; Neoplastic Syndromes, Hereditary; Hereditary neoplastic syndrome; Hereditary Cancer Syndrome. Identifiers: Orphanet 140162, MedGen C0027672, MeSH D009386, MONDO:0015356.
Familial adenomatous polyposis 1 (FAP1). Also called: FAMILIAL ADENOMATOUS POLYPOSIS 1, ATTENUATED; POLYPOSIS, ADENOMATOUS INTESTINAL. Identifiers: MedGen C2713442, MONDO:0021056, OMIM 175100. Disease mechanism: loss of function.

Allele frequency attached by ClinVar (database versions not stated): ExAC 0.00001; gnomAD 0.00001; TOPMed 0.00004.
gnomAD v4.1: 5 of 1,611,480 alleles (0.00031%); highest among the groups gnomAD compares: African/African-American, 0.0027%; no homozygotes.

Submissions (8):

Labcorp Genetics (formerly Invitae), Labcorp
Classification: Uncertain significance for Familial adenomatous polyposis 1. Last evaluated: 2026-01-31. Review status: criteria provided, single submitter. Criteria: Invitae Variant Classification Sherloc (09022015). Collection method: clinical testing. Allele origin: germline.
Comment: This sequence change replaces methionine, which is neutral and non-polar, with valine, which is neutral and non-polar, at codon 271 of the APC protein (p.Met271Val). This variant is present in population databases (rs587781464, gnomAD 0.005%). This variant has not been reported in the literature in individuals affected with APC-related conditions. ClinVar contains an entry for this variant (Variation ID: 141061). Invitae Evidence Modeling of protein sequence and biophysical properties (such as structural, functional, and spatial information, amino acid conservation, physicochemical variation, residue mobility, and thermodynamic stability) indicates that this missense variant is not expected to disrupt APC protein function with a negative predictive value of 95%. In summary, the available evidence is currently insufficient to determine the role of this variant in disease. Therefore, it has been classified as a Variant of Uncertain Significance.

Ambry Genetics
Classification: Uncertain significance for Hereditary cancer-predisposing syndrome. Last evaluated: 2025-07-05. Review status: criteria provided, single submitter. Criteria: Ambry Variant Classification Scheme 2023. Collection method: clinical testing. Allele origin: germline.
Comment: The p.M271V variant (also known as c.811A>G), located in coding exon 7 of the APC gene, results from an A to G substitution at nucleotide position 811. The methionine at codon 271 is replaced by valine, an amino acid with highly similar properties. This amino acid position is not well conserved in available vertebrate species. In addition, in silico predictors for this gene do not accurately predict pathogenicity. Since supporting evidence is limited at this time, the clinical significance of this alteration remains unclear.

PreventionGenetics, part of Exact Sciences
Classification: Uncertain significance for APC-related condition. Last evaluated: 2025-02-04. Review status: criteria provided, single submitter. Criteria: ACMG Guidelines, 2015. Collection method: clinical testing. Allele origin: germline.
Comment: The APC c.811A>G variant is predicted to result in the amino acid substitution p.Met271Val. To our knowledge, this variant has not been reported in the literature. This variant is reported in 0.0053% of alleles in individuals of East Asian descent in gnomAD. In ClinVar, it is reported as a variant of uncertain significance. At this time, the clinical significance of this variant is uncertain due to the absence of conclusive functional and genetic evidence.

GeneDx
Classification: Uncertain significance. Last evaluated: 2024-11-01. Review status: criteria provided, single submitter. Criteria: GeneDx Variant Classification Process June 2021. Collection method: clinical testing. Allele origin: germline. Affected: yes.
Comment: Not observed at significant frequency in large population cohorts (gnomAD); In silico analysis indicates that this missense variant does not alter protein structure/function; Has not been previously published as pathogenic or benign to our knowledge

All of Us Research Program, National Institutes of Health
Classification: Uncertain significance for Classic or attenuated familial adenomatous polyposis. Last evaluated: 2024-06-17. Review status: criteria provided, single submitter. Criteria: ACMG Guidelines, 2015. Collection method: clinical testing. Allele origin: germline. Inheritance: Autosomal dominant inheritance. Observed: 2 variant alleles, 2 heterozygotes.
Comment: This missense variant replaces methionine with valine at codon 271 of the APC protein. Computational prediction suggests that this variant may not impact protein structure and function (internally defined REVEL score threshold <= 0.5, PMID: 27666373). To our knowledge, functional studies have not been reported for this variant. This variant has not been reported in individuals affected with APC-related disorders in the literature. This variant has been identified in 3/282450 chromosomes in the general population by the Genome Aggregation Database (gnomAD). The available evidence is insufficient to determine the role of this variant in disease conclusively. Therefore, this variant is classified as a Variant of Uncertain Significance.

This study involves interpretation of variants in research participants for the purpose of population health screening. Participant phenotype was not available at the time of variant classification. Additional details can be found in publication PMID: 35346344, PMCID: PMC8962531

Quest Diagnostics Nichols Institute San Juan Capistrano
Classification: Uncertain significance. Last evaluated: 2023-12-20. Review status: criteria provided, single submitter. Criteria: Quest Diagnostics criteria. Collection method: clinical testing. Allele origin: unknown.
Comment: The APC c.811A>G (p.Met271Val) variant has not been reported in individuals with APC-related conditions in the published literature. The frequency of this variant in the general population, 0.000011 (3/282450 chromosomes (Genome Aggregation Database)), is uninformative in the assessment of its pathogenicity. Analysis of this variant using bioinformatics tools for the prediction of the effect of amino acid changes on protein structure and function yielded predictions that this variant is benign. Based on the available information, we are unable to determine the clinical significance of this variant.

Color Diagnostics, LLC DBA Color Health
Classification: Uncertain significance for Hereditary cancer-predisposing syndrome. Last evaluated: 2023-08-10. Review status: criteria provided, single submitter. Criteria: ACMG Guidelines, 2015. Collection method: clinical testing. Allele origin: germline.
Comment: This missense variant replaces methionine with valine at codon 271 of the APC protein. Computational prediction suggests that this variant may not impact protein structure and function (internally defined REVEL score threshold <= 0.5, PMID: 27666373). To our knowledge, functional studies have not been reported for this variant. This variant has not been reported in individuals affected with APC-related disorders in the literature. This variant has been identified in 3/282450 chromosomes in the general population by the Genome Aggregation Database (gnomAD). The available evidence is insufficient to determine the role of this variant in disease conclusively. Therefore, this variant is classified as a Variant of Uncertain Significance.

3DMed Clinical Laboratory Inc
Classification: Uncertain significance for Rectal Adenocarcinoma. Last evaluated: 2017-09-16. Review status: no assertion criteria provided. Criteria: ACMG Guidelines, 2015. Collection method: clinical testing. Allele origin: germline. Affected: yes. Not counted in ClinVar's aggregate classification.

NM_000038.6(APC):c.811A>G (p.Met271Val)

Gene: APC (APC regulator of Wnt signaling pathway; plus strand). Cytogenetic location: 5q22.2.
Variant type: single nucleotide variant.
Coding change: c.811A>G on transcript NM_000038.6 (MANE Select); coding-DNA position 811, A replaced by G.
Protein change: p.Met271Val; replaces methionine 271 with valine.
Molecular consequence: missense variant. On other transcripts: 5 prime UTR variant (1).
Genome position (GRCh38, 1-based): chr5:112,801,360, A>G. VCF-style: chr5-112801360-A-G. GRCh37 (hg19) VCF-style: chr5-112137057-A-G.
Other names: c.811A>G, p.Met271Val (NM_001127510.3, NM_001354895.2, NM_001354896.2 and 1 more transcripts); c.757A>G, p.Met253Val (NM_001127511.3); c.841A>G, p.Met281Val (NM_001354897.2, NM_001354902.2); c.736A>G, p.Met246Val (NM_001354898.2, NM_001354904.2); c.727A>G, p.Met243Val (NM_001354899.2); c.634A>G, p.Met212Val (NM_001354900.2, NM_001354901.2, NM_001354905.2); c.-225A>G (NM_001354906.2); short protein forms M253V, M271V, M243V, M281V, M246V, M212V.
Identifiers: ClinVar variation 141061 (VCV000141061.30), dbSNP rs587781464, ClinGen allele CA014344.